The following is an entry in ClinVar:

ClinVar aggregate classification (germline): Likely benign (0 of 4 stars; one submission).

Conditions:
LZTR1-related disorder. Also called: LZTR1-related disorders; LZTR1-related condition.

Submission:

PreventionGenetics, part of Exact Sciences
Classification: Likely benign for LZTR1-related condition. Last evaluated: 2021-05-24. Review status: no assertion criteria provided. Collection method: clinical testing. Allele origin: germline.
Comment: This variant is classified as likely benign based on ACMG/AMP sequence variant interpretation guidelines (Richards et al. 2015 PMID: 25741868, with internal and published modifications).

NM_006767.4(LZTR1):c.750A>G (p.Lys250=)

Gene: LZTR1 (leucine zipper like post translational regulator 1; plus strand). Cytogenetic location: 22q11.21.
Variant type: single nucleotide variant.
Coding change: c.750A>G on transcript NM_006767.4 (MANE Select); coding-DNA position 750, A replaced by G.
Protein change: p.Lys250=; no amino-acid change (lysine 250 retained).
Molecular consequence: synonymous variant.
Genome position (GRCh38, 1-based): chr22:20,990,484, A>G. VCF-style: chr22-20990484-A-G. GRCh37 (hg19) VCF-style: chr22-21344773-A-G.
Identifiers: ClinVar variation 3059420 (VCV003059420.2), dbSNP rs2518615859, ClinGen allele CA513490631.